The following is an entry in ClinVar:

NM_032578.4(MYPN):c.3247G>A (p.Val1083Ile)

Gene: MYPN (myopalladin; plus strand). Cytogenetic location: 10q21.3.
Variant type: single nucleotide variant.
Coding change: c.3247G>A on transcript NM_032578.4 (MANE Select); coding-DNA position 3247, G replaced by A.
Protein change: p.Val1083Ile; replaces valine 1083 with isoleucine.
Molecular consequence: missense variant. On other transcripts: non-coding transcript variant (2).
Genome position (GRCh38, 1-based): chr10:68,197,440, G>A. VCF-style: chr10-68197440-G-A. GRCh37 (hg19) VCF-style: chr10-69957197-G-A.
Other names: c.3247G>A, p.Val1083Ile (NM_001256267.2); c.2365G>A, p.Val789Ile (NM_001256268.2); short protein forms V789I, V1083I.
Identifiers: ClinVar variation 1426915 (VCV001426915.5), dbSNP rs765335692, ClinGen allele CA376858449.

ClinVar aggregate classification (germline): Uncertain significance (1 of 4 stars; one submission).

Conditions:
Dilated cardiomyopathy 1KK (CMD1KK). Identifiers: Orphanet 154, Orphanet 75249, MedGen C3714995, MONDO:0014100, OMIM 615248.

Allele frequency attached by ClinVar (database versions not stated): gnomAD 0.00001.
gnomAD v4.1: 2 of 1,613,902 alleles (0.00012%); highest among the groups gnomAD compares: Admixed American, 0.0017%; no homozygotes.

Submission:

Labcorp Genetics (formerly Invitae), Labcorp
Classification: Uncertain significance for Dilated cardiomyopathy 1KK. Last evaluated: 2022-08-06. Review status: criteria provided, single submitter. Criteria: Invitae Variant Classification Sherloc (09022015). Collection method: clinical testing. Allele origin: germline.
Comment: In summary, the available evidence is currently insufficient to determine the role of this variant in disease. Therefore, it has been classified as a Variant of Uncertain Significance. Algorithms developed to predict the effect of missense changes on protein structure and function (SIFT, PolyPhen-2, Align-GVGD) all suggest that this variant is likely to be tolerated. ClinVar contains an entry for this variant (Variation ID: 1426915). This variant has not been reported in the literature in individuals affected with MYPN-related conditions. This variant is not present in population databases (gnomAD no frequency). This sequence change replaces valine, which is neutral and non-polar, with isoleucine, which is neutral and non-polar, at codon 1083 of the MYPN protein (p.Val1083Ile).